The following is an entry in ClinVar:

ClinVar aggregate classification (germline): Conflicting classifications of pathogenicity. Review status: criteria provided, conflicting classifications (1 of 4 stars). 3 submissions from 3 submitters: Uncertain significance (2); Likely benign (1). Last evaluated 2024-03-25.

Conditions:
Developmental and epileptic encephalopathy, 36 (DEE36). Also called: Epileptic encephalopathy, early infantile, 36; Congenital disorder of glycosylation, type Is; ALG13-CDG. Identifiers: Orphanet 324422, MedGen C4317295, MONDO:0010472, OMIM 300884.

Allele frequency attached by ClinVar (database versions not stated): gnomAD exomes below 0.00001; TOPMed 0.00001.

Submissions (3):

Women's Health and Genetics/Laboratory Corporation of America, LabCorp
Classification: Uncertain significance. Last evaluated: 2024-03-25. Review status: criteria provided, single submitter. Criteria: LabCorp Variant Classification Summary - May 2015. Collection method: clinical testing. Allele origin: germline.
Comment: Variant summary: ALG13 c.452C>T (p.Ala151Val) results in a non-conservative amino acid change in the encoded protein sequence. Three of five in-silico tools predict a benign effect of the variant on protein function. The variant was absent in 178363 control chromosomes (gnomAD). The available data on variant occurrences in the general population are insufficient to allow any conclusion about variant significance. To our knowledge, no occurrence of c.452C>T in individuals affected with Epileptic Encephalopathy, Early Infantile, 36 and no experimental evidence demonstrating its impact on protein function have been reported. ClinVar contains an entry for this variant (Variation ID: 403877). Based on the evidence outlined above, the variant was classified as uncertain significance.

Blueprint Genetics
Classification: Likely benign. Last evaluated: 2023-09-06. Review status: criteria provided, single submitter. Criteria: ACMG Guidelines, 2015. Collection method: clinical testing. Allele origin: germline.

Labcorp Genetics (formerly Invitae), Labcorp
Classification: Uncertain significance for Developmental and epileptic encephalopathy, 36. Last evaluated: 2021-09-01. Review status: criteria provided, single submitter. Criteria: Invitae Variant Classification Sherloc (09022015). Collection method: clinical testing. Allele origin: germline.
Comment: This sequence change replaces alanine with valine at codon 151 of the ALG13 protein (p.Ala151Val). The alanine residue is weakly conserved and there is a small physicochemical difference between alanine and valine. This variant is not present in population databases (ExAC no frequency). This variant has not been reported in the literature in individuals affected with ALG13-related conditions. ClinVar contains an entry for this variant (Variation ID: 403877). Algorithms developed to predict the effect of missense changes on protein structure and function output the following: SIFT: "Tolerated"; PolyPhen-2: "Benign"; Align-GVGD: "Class C0". The valine amino acid residue is found in multiple mammalian species, which suggests that this missense change does not adversely affect protein function. In summary, the available evidence is currently insufficient to determine the role of this variant in disease. Therefore, it has been classified as a Variant of Uncertain Significance.

NM_001099922.3(ALG13):c.452C>T (p.Ala151Val)

Gene: ALG13 (ALG13 UDP-N-acetylglucosaminyltransferase subunit; plus strand). Cytogenetic location: Xq23.
Variant type: single nucleotide variant.
Coding change: c.452C>T on transcript NM_001099922.3 (MANE Select); coding-DNA position 452, C replaced by T.
Protein change: p.Ala151Val; replaces alanine 151 with valine.
Molecular consequence: missense variant. On other transcripts: non-coding transcript variant (1).
Genome position (GRCh38, 1-based): chrX:111,708,095, C>T. VCF-style: chrX-111708095-C-T. GRCh37 (hg19) VCF-style: chrX-110951323-C-T.
Other names: c.140C>T, p.Ala47Val (NM_001257230.2, NM_001257234.2, NM_001257237.2 and 1 more transcripts); c.218C>T, p.Ala73Val (NM_001257231.2); c.452C>T, p.Ala151Val (NM_001324292.2); short protein forms A151V, A47V, A73V.
Identifiers: ClinVar variation 403877 (VCV000403877.9), dbSNP rs1060500008, ClinGen allele CA16616422.
Genomic context (GRCh38, chrX:111,708,095, plus strand): 5'-CTTGTCCTGGGCAAGCCAAGTCCATTGCTTCTGCTCCTGGGAAGTGCCAAGATTCTGCAG[C>T]GCTGACTTCAACTGCCTTTTCAGGCCTAGACTTTGGGCTGCTTTCCGGATACCTGCATAA-3'
Protein context (NP_001093392.1, residues 141-161): SAPGKCQDSA[Ala151Val]LTSTAFSGLD